The following is an entry in ClinVar:

ClinVar aggregate classification (germline): Uncertain significance (1 of 4 stars; one submission).

Submission:

Labcorp Genetics (formerly Invitae), Labcorp
Classification: Uncertain significance. Last evaluated: 2021-10-17. Review status: criteria provided, single submitter. Criteria: Invitae Variant Classification Sherloc (09022015). Collection method: clinical testing. Allele origin: germline.
Comment: This sequence change replaces isoleucine with valine at codon 807 of the HELLS protein (p.Ile807Val). The isoleucine residue is moderately conserved and there is a small physicochemical difference between isoleucine and valine. This variant is not present in population databases (ExAC no frequency). This variant has not been reported in the literature in individuals affected with HELLS-related conditions. Algorithms developed to predict the effect of missense changes on protein structure and function (SIFT, PolyPhen-2, Align-GVGD) all suggest that this variant is likely to be tolerated. In summary, the available evidence is currently insufficient to determine the role of this variant in disease. Therefore, it has been classified as a Variant of Uncertain Significance.

NM_018063.5(HELLS):c.2419A>G (p.Ile807Val)

Gene: HELLS (helicase, lymphoid specific; plus strand). Cytogenetic location: 10q23.33.
Variant type: single nucleotide variant.
Coding change: c.2419A>G on transcript NM_018063.5 (MANE Select); coding-DNA position 2419, A replaced by G.
Protein change: p.Ile807Val; replaces isoleucine 807 with valine.
Molecular consequence: missense variant.
Genome position (GRCh38, 1-based): chr10:94,597,108, A>G. VCF-style: chr10-94597108-A-G. GRCh37 (hg19) VCF-style: chr10-96356865-A-G.
Other names: c.2557A>G, p.Ile853Val (NM_001289067.2); c.2371A>G, p.Ile791Val (NM_001289068.2); c.2323A>G, p.Ile775Val (NM_001289069.2); c.2125A>G, p.Ile709Val (NM_001289070.2); c.2047A>G, p.Ile683Val (NM_001289071.2); c.2029A>G, p.Ile677Val (NM_001289072.2); c.2005A>G, p.Ile669Val (NM_001289073.2); c.1336A>G, p.Ile446Val (NM_001289074.2); and 1 more; short protein forms I853V, I807V, I775V, I401V, I446V, I677V, I791V, I669V.
Identifiers: ClinVar variation 1474750 (VCV001474750.6), dbSNP rs2134126778, ClinGen allele CA377669197.